The following is an entry in ClinVar:

NM_000038.6(APC):c.5881G>T (p.Val1961Phe)

Gene: APC (APC regulator of Wnt signaling pathway; plus strand). Cytogenetic location: 5q22.2.
Variant type: single nucleotide variant.
Coding change: c.5881G>T on transcript NM_000038.6 (MANE Select); coding-DNA position 5881, G replaced by T.
Protein change: p.Val1961Phe; replaces valine 1961 with phenylalanine.
Molecular consequence: missense variant. On other transcripts: non-coding transcript variant (2).
Genome position (GRCh38, 1-based): chr5:112,841,475, G>T. VCF-style: chr5-112841475-G-T. GRCh37 (hg19) VCF-style: chr5-112177172-G-T.
Other names: c.5881G>T, p.Val1961Phe (NM_001127510.3, NM_001354895.2, NM_001407450.1); c.5827G>T, p.Val1943Phe (NM_001127511.3); c.5935G>T, p.Val1979Phe (NM_001354896.2, NM_001407447.1, NM_001407448.1 and 1 more transcripts); c.5911G>T, p.Val1971Phe (NM_001354897.2); c.5806G>T, p.Val1936Phe (NM_001354898.2); c.5797G>T, p.Val1933Phe (NM_001354899.2); c.5758G>T, p.Val1920Phe (NM_001354900.2); c.5704G>T, p.Val1902Phe (NM_001354901.2, NM_001407453.1); and 11 more; short protein forms V1678F, V1860F, V1878F, V1936F, V1943F, V1954F, V1979F, V1801F.
Identifiers: ClinVar variation 3929892 (VCV003929892.1).
Genomic context (GRCh38, chr5:112,841,475, plus strand): 5'-CCAGACAGAGGGGCAGCAACTGATGAAAAGTTACAGAATTTTGCTATTGAAAATACTCCG[G>T]TTTGCTTTTCTCATAATTCCTCTCTGAGTTCTCTCAGTGACATTGACCAAGAAAACAACA-3'
Protein context (NP_000029.2, residues 1951-1971): LQNFAIENTP[Val1961Phe]CFSHNSSLSS

ClinVar aggregate classification (germline): Uncertain significance (1 of 4 stars; one submission).

Conditions:
Hereditary cancer-predisposing syndrome. Also called: Hereditary Cancer Syndrome; Hereditary neoplastic syndrome; Neoplastic Syndromes, Hereditary; Tumor predisposition. Identifiers: Orphanet 140162, MedGen C0027672, MeSH D009386, MONDO:0015356.

Submission:

Ambry Genetics
Classification: Uncertain significance for Hereditary cancer-predisposing syndrome. Last evaluated: 2025-06-06. Review status: criteria provided, single submitter. Criteria: Ambry Variant Classification Scheme 2023. Collection method: clinical testing. Allele origin: germline.
Comment: The p.V1961F variant (also known as c.5881G>T), located in coding exon 15 of the APC gene, results from a G to T substitution at nucleotide position 5881. The valine at codon 1961 is replaced by phenylalanine, an amino acid with highly similar properties. This amino acid position is conserved. In addition, in silico predictors for this gene do not accurately predict pathogenicity. Based on the available evidence, the clinical significance of this variant remains unclear.